The following is an entry in ClinVar:

NM_015122.3(FCHO1):c.1260C>T (p.Ser420=)

Gene: FCHO1 (FCH and mu domain containing endocytic adaptor 1; plus strand). Cytogenetic location: 19p13.11.
Variant type: single nucleotide variant.
Coding change: c.1260C>T on transcript NM_015122.3 (MANE Select); coding-DNA position 1260, C replaced by T.
Protein change: p.Ser420=; no amino-acid change (serine 420 retained).
Molecular consequence: synonymous variant. On other transcripts: non-coding transcript variant (24), intron variant (1).
Genome position (GRCh38, 1-based): chr19:17,778,137, C>T. VCF-style: chr19-17778137-C-T. GRCh37 (hg19) VCF-style: chr19-17888946-C-T.
Other names: c.1260C>T, p.Ser420= (NM_001161357.2, NM_001161358.2, NM_001384370.1 and 25 more transcripts); c.1110C>T, p.Ser370= (NM_001161359.2, NM_001384384.1, NM_001384385.1 and 2 more transcripts); c.1221C>T, p.Ser407= (NM_001384388.1, NM_001384389.1, NM_001384405.1); c.1185C>T, p.Ser395= (NM_001384390.1); c.1215C>T, p.Ser405= (NM_001384403.1); c.1057+1866C>T (NM_001384407.1).
Identifiers: ClinVar variation 1516062 (VCV001516062.8), dbSNP rs1414999883, ClinGen allele CA505999181.

ClinVar aggregate classification (germline): Uncertain significance (1 of 4 stars; one submission).

Allele frequency attached by ClinVar (database versions not stated): gnomAD exomes below 0.00001; gnomAD 0.00001.
gnomAD v4.1: 4 of 1,610,240 alleles (0.00025%); highest among the groups gnomAD compares: Non-Finnish European, 0.00025%; no homozygotes.

Submission:

Labcorp Genetics (formerly Invitae), Labcorp
Classification: Uncertain significance. Last evaluated: 2024-10-21. Review status: criteria provided, single submitter. Criteria: Invitae Variant Classification Sherloc (09022015). Collection method: clinical testing. Allele origin: germline.
Comment: This sequence change affects codon 420 of the FCHO1 mRNA. It is a 'silent' change, meaning that it does not change the encoded amino acid sequence of the FCHO1 protein. It affects a nucleotide within the consensus splice site. This variant is present in population databases (no rsID available, gnomAD 0.007%). This variant has not been reported in the literature in individuals affected with FCHO1-related conditions. ClinVar contains an entry for this variant (Variation ID: 1516062). Algorithms developed to predict the effect of sequence changes on RNA splicing suggest that this variant is not likely to affect RNA splicing. In summary, the available evidence is currently insufficient to determine the role of this variant in disease. Therefore, it has been classified as a Variant of Uncertain Significance.